The following is an entry in ClinVar:

ClinVar aggregate classification (germline): Pathogenic/Likely pathogenic. Review status: criteria provided, multiple submitters, no conflicts (2 of 4 stars). 5 submissions from 5 submitters: Pathogenic (2); Likely pathogenic (3). Last evaluated 2025-10-30.

Conditions:
Hearing loss, autosomal recessive. Also called: Rare autosomal recessive non-syndromic sensorineural deafness type DFNB; Nonsyndromic Hearing Loss, Recessive; Deafness, autosomal recessive; Autosomal recessive nonsyndromic deafness. Identifiers: Orphanet 90635, Orphanet 90636, MedGen C1846647, MONDO:0019588, OMIM 607197.
CDH23-related disorder. Also called: CDH23-related condition; CDH23-related disorders.
Pituitary adenoma 5, multiple types. Identifiers: MedGen C4539685, MONDO:0054601, OMIM 617540.
Usher syndrome type 1 (USH1). Also called: RETINITIS PIGMENTOSA AND CONGENITAL DEAFNESS. Identifiers: Orphanet 231169, Orphanet 886, MedGen C1568247, MONDO:0010168, OMIM 276900.

Allele frequency attached by ClinVar (database versions not stated): gnomAD 0.00001; gnomAD exomes 0.00001; ExAC 0.00002.
gnomAD v4.1: 9 of 1,612,652 alleles (0.00056%); highest among the groups gnomAD compares: Admixed American, 0.0033%; no homozygotes.

Submissions (5):

Natera, Inc.
Classification: Likely pathogenic for Usher syndrome type 1. Last evaluated: 2025-10-30. Review status: criteria provided, single submitter. Criteria: Natera Variant Classification Schema (03/2026). Collection method: clinical testing. Allele origin: germline.
Comment: The c.2752G>A variant in CDH23 is a missense variant predicted to cause substitution of aspartic acid to asparagine at amino acid 918. This variant is rare in the general population with a frequency below the threshold expected for the associated phenotype(s). This variant has been observed in one or more individuals affected with the associated recessive disease, as either homozygous or compound heterozygous with a second variant (PMID: 32860223, 33316915, 24416283). This variant has been observed to segregate in affected family members (PMID: 24416283). Computational prediction algorithms indicate this variant is likely to affect gene or protein function. Given the available evidence, this variant is classified as Likely Pathogenic.

Dasa
Classification: Likely pathogenic for hearing loss, autosomal recessive. Last evaluated: 2025-09-20. Review status: criteria provided, single submitter. Criteria: DASA Assertion Criteria. Collection method: clinical testing. Allele origin: germline.
Comment: NM_022124.6(CDH23):c.2752G>A (p.Asp918Asn) is a missense variant that results in the substitution of aspartic acid with asparagine. This variant has been reported in individuals with CDH23-related disorders (PMID: 24416283). Also, this variant is rare in population databases. Computational evidence supports a deleterious effect. Based on the currently available evidence, this variant is classified as likely pathogenic.

Labcorp Genetics (formerly Invitae), Labcorp
Classification: Pathogenic. Last evaluated: 2024-08-10. Review status: criteria provided, single submitter. Criteria: Invitae Variant Classification Sherloc (09022015). Collection method: clinical testing. Allele origin: germline.
Comment: This sequence change replaces aspartic acid, which is acidic and polar, with asparagine, which is neutral and polar, at codon 918 of the CDH23 protein (p.Asp918Asn). This variant is present in population databases (rs769870573, gnomAD 0.006%). This missense change has been observed in individual(s) with deafness (PMID: 24416283, 32860223, 33316915). In at least one individual the data is consistent with being in trans (on the opposite chromosome) from a pathogenic variant. It has also been observed to segregate with disease in related individuals. ClinVar contains an entry for this variant (Variation ID: 2136881). Advanced modeling of protein sequence and biophysical properties (such as structural, functional, and spatial information, amino acid conservation, physicochemical variation, residue mobility, and thermodynamic stability) performed at Invitae indicates that this missense variant is expected to disrupt CDH23 protein function with a positive predictive value of 95%. For these reasons, this variant has been classified as Pathogenic.

Baylor Genetics
Classification: Likely pathogenic for Pituitary adenoma 5, multiple types. Last evaluated: 2024-02-06. Review status: criteria provided, single submitter. Criteria: ACMG Guidelines, 2015. Collection method: clinical testing. Allele origin: unknown.

Blueprint Genetics
Classification: Pathogenic for CDH23-related disorders. Last evaluated: 2022-09-16. Review status: criteria provided, single submitter. Criteria: ACMG Guidelines, 2015. Collection method: clinical testing. Allele origin: germline. Affected: yes. Observed: 3 variant alleles.

Literature cited by the submitters: PubMed 32860223 (cited by 3 submitters); PubMed 33316915 (cited by 3 submitters); PubMed 24416283 (cited by 3 submitters).

NM_022124.6(CDH23):c.2752G>A (p.Asp918Asn)

Gene: CDH23 (cadherin related 23; plus strand). Cytogenetic location: 10q22.1.
Variant type: single nucleotide variant.
Coding change: c.2752G>A on transcript NM_022124.6 (MANE Select); coding-DNA position 2752, G replaced by A.
Protein change: p.Asp918Asn; replaces aspartic acid 918 with asparagine.
Molecular consequence: missense variant.
Genome position (GRCh38, 1-based): chr10:71,704,929, G>A. VCF-style: chr10-71704929-G-A. GRCh37 (hg19) VCF-style: chr10-73464686-G-A.
Other names: c.2752G>A, p.Asp918Asn (NM_001171930.2, NM_001171931.2); c.2752G>A (NM_022124.5); short protein forms D918N.
Identifiers: ClinVar variation 2136881 (VCV002136881.9), dbSNP rs769870573, ClinGen allele CA5544332.
Genomic context (GRCh38, chr10:71,704,929, plus strand): 5'-GTGTCCCCTCCCCACCCTCATGCTGCCCCTCCTTGCCCTCAGGTGGTGGCCATCGACCTC[G>A]ATGAGGGCCTGAACGGCCTGGTGTCCTACCGCATGCCGGTGGGCATGCCCCGCATGGACT-3'
Protein context (NP_071407.4, residues 908-928): SIYQVVAIDL[Asp918Asn]EGLNGLVSYR